The following is an entry in ClinVar:

ClinVar aggregate classification (germline): Likely pathogenic (1 of 4 stars; one submission).

Conditions:
Multiple mitochondrial dysfunctions syndrome 6. Identifiers: Orphanet 569290, MedGen C4693741, MONDO:0054785, OMIM 617954.

gnomAD v4.1: 7 of 1,613,242 alleles (0.00043%); highest among the groups gnomAD compares: Non-Finnish European, 0.00059%; no homozygotes.

Submission:

Neurogenetics, Cyprus Institute of Neurology and Genetics
Classification: Likely pathogenic for Multiple mitochondrial dysfunctions syndrome 6. Last evaluated: 2026-04-22. Review status: criteria provided, single submitter. Criteria: ACMG Guidelines 2015. Collection method: clinical testing. Allele origin: inherited. Inheritance: Autosomal recessive inheritance. Affected: yes. Observed: 2 variant alleles, 2 compound heterozygotes. Clinical features observed: Movement abnormality of the tongue (HP:0000182), Intellectual disability (HP:0001249), Ataxia (HP:0001251), Dysarthria (HP:0001260), Gait ataxia (HP:0002066), Truncal ataxia (HP:0002078), Broad-based gait (HP:0002136), Scanning speech (HP:0002168), Babinski sign (HP:0003487), Lower limb dysmetria (HP:0020035), Delayed ability to walk (HP:0031936).
Comment: The missense variant c.1268A>G (p.Tyr429Cys) was classified as Likely Pathogenic according to the ACMG/AMP 2015 guidelines. It is observed at an extremely low allele frequency in population databases (gnomAD allele frequency: 0.000004792) (PM2). The variant was identified in trans with a frameshift variant (c.27del; p.Leu10Cysfs*17) in two affected siblings from a non-consanguineous Cypriot family with early-onset ataxia. Affected siblings inherited both variants, whereas the three unaffected family members carried only one. Long-read phasing also assigned each variant to a different haplotype, reinforcing the compound heterozygous mode of inheritance (PM3). Computational assessment indicated that the c.1286A>G substitution is likely deleterious, with scores from multiple predictors ranging from uncertain to damaging (PP3). Both patients' phenotypes are highly consistent with the known spectrum of PMPCB-related disease (PP4), and both variants co-segregate within the family (PP1 supporting). In the absence of functional studies or additional families affected by the same variant, the c.1268A>G variant does not meet criteria for a pathogenic classification and is therefore classified as Likely Pathogenic.

NM_004279.3(PMPCB):c.1286A>G (p.Tyr429Cys)

Gene: PMPCB (peptidase, mitochondrial processing subunit beta; plus strand). Cytogenetic location: 7q22.1.
Variant type: single nucleotide variant.
Coding change: c.1286A>G on transcript NM_004279.3 (MANE Select); coding-DNA position 1286, A replaced by G.
Protein change: p.Tyr429Cys; replaces tyrosine 429 with cysteine.
Molecular consequence: missense variant.
Genome position (GRCh38, 1-based): chr7:103,311,853, A>G. VCF-style: chr7-103311853-A-G. GRCh37 (hg19) VCF-style: chr7-102952300-A-G.
Other names: c.1286A>G, p.Tyr429Cys (NM_001438231.1); short protein forms Y429C.
Identifiers: ClinVar variation 4845407 (VCV004845407.1).